The following is an entry in ClinVar:

NM_000158.4(GBE1):c.1576A>G (p.Ile526Val)

Gene: GBE1 (1,4-alpha-glucan branching enzyme 1; minus strand). Cytogenetic location: 3p12.2.
Variant type: single nucleotide variant.
Coding change: c.1576A>G on transcript NM_000158.4 (MANE Select); coding-DNA position 1576, A replaced by G.
Protein change: p.Ile526Val; replaces isoleucine 526 with valine.
Molecular consequence: missense variant.
Genome position (GRCh38, 1-based): chr3:81,577,967, T>C on the plus strand (A>G on the coding strand, the complement: GBE1 is on the minus strand). VCF-style: chr3-81577967-T-C. GRCh37 (hg19) VCF-style: chr3-81627118-T-C.
Other names: short protein forms I526V.
Identifiers: ClinVar variation 3853089 (VCV003853089.2).
Genomic context (GRCh38, chr3:81,577,967, plus strand): 5'-TGTTTAACTCACACTTACCCATGAAATTGAGATAGCCTTCTCCACCAAGCCCATGCGTAA[T>C]GAGTCGAATCATTTTATGAAGCTGTATTCCACGATCAATAACTGGAGTAAAAGGAGTCAG-3'
Protein context (NP_000149.4, residues 516-536): GIQLHKMIRL[Ile526Val]THGLGGEGYL

ClinVar aggregate classification (germline): Uncertain significance. Review status: criteria provided, multiple submitters, no conflicts (2 of 4 stars). 2 submissions from 2 submitters: Uncertain significance (2). Last evaluated 2026-08-06.

Conditions:
Inborn genetic diseases. Identifiers: MedGen C0950123, MeSH D030342.
Adult polyglucosan body disease (APBN). Also called: POLYGLUCOSAN BODY DISEASE, ADULT FORM; GBE1-Adult Polyglucosan Body Disease. Identifiers: Orphanet 206583, MedGen C1849722, MONDO:0009897, OMIM 263570.

gnomAD v4.1: 6 of 1,608,098 alleles (0.00037%); highest among the groups gnomAD compares: African/African-American, 0.0067%; no homozygotes.

Submissions (2):

OLLIN Analises Genomicas, OLLIN
Classification: Uncertain significance for Adult polyglucosan body disease. Last evaluated: 2026-08-06. Review status: criteria provided, single submitter. Criteria: ACMG Guidelines 2015 PMID 25741868. Collection method: clinical testing. Allele origin: germline. Inheritance: Autosomal recessive inheritance.
Comment: This missense variant, located in exon 12 (of 16), has been reported in ClinVar (accession VCV003853089.1) and in gnomAD with an allele frequency of 0.00037%. However, to our knowledge, it has not been reported in the scientific literature. In silico analysis is inconclusive regarding the impact of this variant. According to the currently available evidence, this variant has been classified as uncertain significance (PM2_P).

Ambry Genetics
Classification: Uncertain significance for Inborn genetic diseases. Last evaluated: 2025-01-16. Review status: criteria provided, single submitter. Criteria: Ambry Variant Classification Scheme 2023. Collection method: clinical testing. Allele origin: germline.